The following is an entry in ClinVar:

ClinVar aggregate classification (germline): Benign. Review status: criteria provided, multiple submitters, no conflicts (2 of 4 stars). 7 submissions from 6 submitters: Benign (5). 2 of the submissions do not count toward it. Last evaluated 2025-10-16.

Conditions:
Aortic valve disease 1 (AOVD1). Identifiers: MedGen C3887892, MONDO:0024523, OMIM 109730.
Adams-Oliver syndrome 5 (AOS5). Identifiers: Orphanet 974, MedGen C4014970, MONDO:0014459, OMIM 616028.

Allele frequency attached by ClinVar (database versions not stated): gnomAD exomes 0.56848 and 0.63295; ExAC 0.63514; TOPMed 0.68868; 1000 Genomes Project 30x 0.76827; gnomAD 0.66794 and 0.66977; 1000 Genomes Project 0.76717; ESP Exome Variant Server 0.65837.
gnomAD v4.1: 931,360 of 1,608,308 alleles (58%); highest among the groups gnomAD compares: African/African-American, 90%; 277,949 homozygotes.

Submissions (7):

Labcorp Genetics (formerly Invitae), Labcorp
Classification: Benign for Adams-Oliver syndrome 5. Last evaluated: 2025-10-16. Review status: criteria provided, single submitter. Criteria: Invitae Variant Classification Sherloc (09022015). Collection method: clinical testing. Allele origin: germline.

Genome-Nilou Lab
Classification: Benign for Adams-Oliver syndrome 5. Last evaluated: 2021-09-05. Review status: criteria provided, single submitter. Criteria: ACMG Guidelines, 2015. Collection method: clinical testing. Allele origin: germline. Affected: no.

Genome-Nilou Lab
Classification: Benign for Aortic valve disease 1. Last evaluated: 2021-09-05. Review status: criteria provided, single submitter. Criteria: ACMG Guidelines, 2015. Collection method: clinical testing. Allele origin: germline. Affected: no.

GeneDx
Classification: Benign. Last evaluated: 2018-06-14. Review status: criteria provided, single submitter. Criteria: GeneDx Variant Classification (06012015). Collection method: clinical testing. Allele origin: germline. Affected: yes.
Comment: This variant is considered likely benign or benign based on one or more of the following criteria: it is a conservative change, it occurs at a poorly conserved position in the protein, it is predicted to be benign by multiple in silico algorithms, and/or has population frequency not consistent with disease.

Breakthrough Genomics
Classification: Benign. Review status: criteria provided, single submitter. Criteria: ACMG Guidelines, 2015. Collection method: not provided. Allele origin: germline. Inheritance: Autosomal dominant inheritance. Affected: yes.

Clinical Genetics DNA and cytogenetics Diagnostics Lab, Erasmus MC, Erasmus Medical Center
Classification: Benign. Review status: no assertion criteria provided. Collection method: clinical testing. Allele origin: germline. Affected: yes. Study: VKGL Data-share Consensus. Not counted in ClinVar's aggregate classification.

Joint Genome Diagnostic Labs from Nijmegen and Maastricht, Radboudumc and MUMC+
Classification: Benign. Review status: no assertion criteria provided. Collection method: clinical testing. Allele origin: germline. Affected: yes. Study: VKGL Data-share Consensus. Not counted in ClinVar's aggregate classification.

NM_017617.5(NOTCH1):c.3325+21A>G

Gene: NOTCH1 (notch receptor 1; minus strand). Cytogenetic location: 9q34.3.
Variant type: single nucleotide variant.
Coding change: c.3325+21A>G on transcript NM_017617.5 (MANE Select); 21 bases into the intron after coding-DNA position 3325, A replaced by G.
Molecular consequence: intron variant.
Genome position (GRCh38, 1-based): chr9:136,508,211, T>C on the plus strand (A>G on the coding strand, the complement: NOTCH1 is on the minus strand). VCF-style: chr9-136508211-T-C. GRCh37 (hg19) VCF-style: chr9-139402663-T-C.
Identifiers: ClinVar variation 678559 (VCV000678559.9), dbSNP rs3124597, ClinGen allele CA5340981.